The following is an entry in ClinVar:

NM_000341.4(SLC3A1):c.1927G>A (p.Gly643Arg)

Genes: PREPL (prolyl endopeptidase like; minus strand), SLC3A1 (solute carrier family 3 member 1; plus strand). Cytogenetic location: 2p21.
Variant type: single nucleotide variant.
Coding change: c.1927G>A on transcript NM_000341.4 (MANE Select); coding-DNA position 1927, G replaced by A.
Protein change: p.Gly643Arg; replaces glycine 643 with arginine.
Molecular consequence: missense variant. On other transcripts: 3 prime UTR variant (10).
Genome position (GRCh38, 1-based): chr2:44,320,508, G>A. VCF-style: chr2-44320508-G-A. GRCh37 (hg19) VCF-style: chr2-44547647-G-A.
Other names: c.*848C>T (NM_001171606.2, NM_001042385.2, NM_001042386.2 and 7 more transcripts); short protein forms G643R.
Identifiers: ClinVar variation 3636380 (VCV003636380.2).

ClinVar aggregate classification (germline): Uncertain significance (1 of 4 stars; one submission).

Conditions:
Cystinuria (CSNU). Also called: CYSTINURIA, TYPE I; CYSTINURIA, TYPE II; CYSTINURIA, TYPE III; Cystinuria, non-type I. Identifiers: Orphanet 214, MedGen C0010691, MONDO:0009067, OMIM 220100, HP:0003131.

gnomAD v4.1: 14 of 1,614,118 alleles (0.00087%); highest among the groups gnomAD compares: Non-Finnish European, 0.0012%; no homozygotes.

Submission:

Labcorp Genetics (formerly Invitae), Labcorp
Classification: Uncertain significance for Cystinuria. Last evaluated: 2024-08-08. Review status: criteria provided, single submitter. Criteria: Invitae Variant Classification Sherloc (09022015). Collection method: clinical testing. Allele origin: germline.
Comment: This sequence change replaces glycine, which is neutral and non-polar, with arginine, which is basic and polar, at codon 643 of the SLC3A1 protein (p.Gly643Arg). This variant is present in population databases (no rsID available, gnomAD 0.002%). This variant has not been reported in the literature in individuals affected with SLC3A1-related conditions. Advanced modeling of protein sequence and biophysical properties (such as structural, functional, and spatial information, amino acid conservation, physicochemical variation, residue mobility, and thermodynamic stability) has been performed at Invitae for this missense variant, however the output from this modeling did not meet the statistical confidence thresholds required to predict the impact of this variant on SLC3A1 protein function. In summary, the available evidence is currently insufficient to determine the role of this variant in disease. Therefore, it has been classified as a Variant of Uncertain Significance.